The following is an entry in ClinVar:

ClinVar aggregate classification (germline): Uncertain significance (1 of 4 stars; one submission).

Conditions:
Cutis laxa, autosomal recessive, type 1B (ARCL1B). Also called: EFEMP2-Related Cutis Laxa; CUTIS LAXA, AUTOSOMAL RECESSIVE, TYPE IB. Identifiers: Orphanet 90349, MedGen C3280798, MONDO:0013754, OMIM 614437. Disease mechanism: loss of function.

Submission:

Labcorp Genetics (formerly Invitae), Labcorp
Classification: Uncertain significance for Cutis laxa, autosomal recessive, type 1B. Last evaluated: 2020-02-14. Review status: criteria provided, single submitter. Criteria: Invitae Variant Classification Sherloc (09022015). Collection method: clinical testing. Allele origin: germline.
Comment: This sequence change replaces isoleucine with alanine at codon 259 of the EFEMP2 protein (p.Ile259Ala). The isoleucine residue is weakly conserved and there is a moderate physicochemical difference between isoleucine and alanine. This variant is not present in population databases (ExAC no frequency). This variant has not been reported in the literature in individuals with EFEMP2-related conditions. Algorithms developed to predict the effect of missense changes on protein structure and function output the following: SIFT: "Deleterious"; PolyPhen-2: "Not Available"; Align-GVGD: "Class C25". The alanine amino acid residue is found in multiple mammalian species, suggesting that this missense change does not adversely affect protein function. These predictions have not been confirmed by published functional studies and their clinical significance is uncertain. In summary, the available evidence is currently insufficient to determine the role of this variant in disease. Therefore, it has been classified as a Variant of Uncertain Significance.

NM_016938.5(EFEMP2):c.774_776delinsTGC (p.Ile259Ala)

Gene: EFEMP2 (EGF-like fibulin extracellular matrix protein 2; minus strand). Cytogenetic location: 11q13.1.
Variant type: Indel.
Coding change: c.774_776delinsTGC on transcript NM_016938.5 (MANE Select); coding-DNA positions 774 to 776, CAT replaced by TGC.
Protein change: p.Ile259Ala; replaces isoleucine 259 with alanine.
Molecular consequence: missense variant. On other transcripts: non-coding transcript variant (1).
Genome position (GRCh38, 1-based): chr11:65,868,581-65,868,583, ATG replaced by GCA on the plus strand (CAT replaced by TGC on the coding strand, the reverse complement: EFEMP2 is on the minus strand). VCF-style: chr11-65868581-ATG-GCA. GRCh37 (hg19) VCF-style: chr11-65636052-ATG-GCA.
Other names: short protein forms I259A.
Identifiers: ClinVar variation 1010177 (VCV001010177.7), dbSNP rs1859906581, ClinGen allele CA1979444763.